The following is an entry in ClinVar:

ClinVar aggregate classification (germline): Uncertain significance (1 of 4 stars; one submission).

Conditions:
ROBO1-related disorder. Also called: ROBO1-related condition.

Allele frequency attached by ClinVar (database versions not stated): gnomAD 0.00001.

Submission:

PreventionGenetics, part of Exact Sciences
Classification: Uncertain significance for ROBO1-related condition. Last evaluated: 2023-03-14. Review status: criteria provided, single submitter. Criteria: ACMG Guidelines, 2015. Collection method: clinical testing. Allele origin: germline.
Comment: The ROBO1 c.13C>T variant is predicted to result in the amino acid substitution p.His5Tyr. To our knowledge, this variant has not been reported in the literature or in a large population database, indicating this variant is rare. At this time, the clinical significance of this variant is uncertain due to the absence of conclusive functional and genetic evidence.

NM_002941.4(ROBO1):c.13C>T (p.His5Tyr)

Gene: ROBO1 (roundabout guidance receptor 1; minus strand). Cytogenetic location: 3p12.3.
Variant type: single nucleotide variant.
Coding change: c.13C>T on transcript NM_002941.4 (MANE Select); coding-DNA position 13, C replaced by T.
Protein change: p.His5Tyr; replaces histidine 5 with tyrosine.
Molecular consequence: missense variant.
Genome position (GRCh38, 1-based): chr3:79,589,899, G>A on the plus strand (C>T on the coding strand, the complement: ROBO1 is on the minus strand). VCF-style: chr3-79589899-G-A. GRCh37 (hg19) VCF-style: chr3-79639049-G-A.
Other names: short protein forms H5Y.
Identifiers: ClinVar variation 2633733 (VCV002633733.1), dbSNP rs1943944585, ClinGen allele CA353684170.
Genomic context (GRCh38, chr3:79,589,899, plus strand): 5'-CCAGAAACAGGTGATTTGGGGATAAGCTGAGGAGTGATATCATGACCAAAAAAGGAACAT[G>A]TTTCCATTTCATCTTTGTCCCTTCCTTGCATTACAACCAGCCAGTGACAGACAATGTGTT-3'
Protein context (NP_002932.1, residues 1-15): MKWK[His5Tyr]VPFLVMISLL